The following is an entry in ClinVar:

NM_001370259.2(MEN1):c.89_90del (p.Glu30fs)

Gene: MEN1 (menin 1; minus strand). Cytogenetic location: 11q13.1.
Variant type: Microsatellite.
Coding change: c.89_90del on transcript NM_001370259.2 (MANE Select); coding-DNA positions 89 to 90, 2 bases deleted (AG; older notation c.89_90delAG).
Protein change: p.Glu30fs; shifts the reading frame from glutamic acid 30.
Molecular consequence: frameshift variant.
Genome position (GRCh38, 1-based): chr11:64,810,020-64,810,021, CT deleted on the plus strand (AG on the coding strand, the reverse complement: MEN1 is on the minus strand); deleting any 2 consecutive bases within chr11:64,810,020-64,810,024 gives the same sequence; the c. name uses the placement nearest the transcript's 3' end. VCF-style (leftmost placement, unchanged base first): chr11-64810019-CCT-C. GRCh37 (hg19) VCF-style: chr11-64577491-CCT-C.
Other names: c.89_90del, p.Glu30fs (NM_000244.4, NM_001370251.2, NM_001370260.2 and 9 more transcripts); c.86_87GA[1], p.Glu30Glyfs (NM_001407142.1, NM_001407143.1, NM_001407144.1 and 9 more transcripts); c.89_90delAG (NM_130799.2); short protein forms E30fs.
Identifiers: ClinVar variation 1765058 (VCV001765058.2), dbSNP rs2497286682, ClinGen allele CA2580615718.

ClinVar aggregate classification (germline): Pathogenic (1 of 4 stars; one submission).

Conditions:
Hereditary cancer-predisposing syndrome. Also called: Neoplastic Syndromes, Hereditary; Tumor predisposition; Hereditary Cancer Syndrome; Hereditary neoplastic syndrome. Identifiers: Orphanet 140162, MedGen C0027672, MeSH D009386, MONDO:0015356.

Submission:

Ambry Genetics
Classification: Pathogenic for Hereditary cancer-predisposing syndrome. Last evaluated: 2021-12-17. Review status: criteria provided, single submitter. Criteria: Ambry Variant Classification Scheme 2023. Collection method: clinical testing. Allele origin: germline.
Comment: The c.89_90delAG pathogenic mutation, located in coding exon 1 of the MEN1 gene, results from a deletion of two nucleotides at nucleotide positions 89 to 90, causing a translational frameshift with a predicted alternate stop codon (p.E30Gfs*86). In one study, this alteration was observed in a large family with clinical history that is consistent with MEN1-related disease (Hasani-Ranjbar S et al. Fam Cancer, 2011 Jun;10:343-8). In addition, this mutation is also designated as c.199_200del2 in published literature. This variant is considered to be rare based on population cohorts in the Genome Aggregation Database (gnomAD). This alteration is expected to result in loss of function by premature protein truncation or nonsense-mediated mRNA decay. As such, this alteration is interpreted as a disease-causing mutation.

Literature cited by the submitters: PubMed 21184284.